The following is an entry in ClinVar:

ClinVar aggregate classification (germline): Pathogenic (1 of 4 stars; one submission).

Conditions:
Familial cancer of breast. Also called: hereditary breast carcinoma; BREAST CANCER, FAMILIAL; Hereditary breast cancer. Identifiers: Orphanet 227535, MedGen C0346153, MONDO:0016419, OMIM 114480. Disease mechanism: loss of function.

Submission:

Labcorp Genetics (formerly Invitae), Labcorp
Classification: Pathogenic for Familial cancer of breast. Last evaluated: 2020-02-13. Review status: criteria provided, single submitter. Criteria: Invitae Variant Classification Sherloc (09022015). Collection method: clinical testing. Allele origin: germline.
Comment: This sequence change creates a premature translational stop signal (p.Glu843*) in the PALB2 gene. It is expected to result in an absent or disrupted protein product. This variant is not present in population databases (ExAC no frequency). This variant has not been reported in the literature in individuals with PALB2-related conditions. Loss-of-function variants in PALB2 are known to be pathogenic (PMID: 17200668, 24136930, 25099575). For these reasons, this variant has been classified as Pathogenic.

Literature cited by the submitters: PubMed 17200668; PubMed 24136930; PubMed 25099575.

NM_024675.4(PALB2):c.2527_2548del (p.Ala842_Glu843insTer)

Gene: PALB2 (partner and localizer of BRCA2; minus strand). Cytogenetic location: 16p12.2.
Variant type: Deletion.
Coding change: c.2527_2548del on transcript NM_024675.4 (MANE Select); coding-DNA positions 2527 to 2548, 22 bases deleted (GAGCTTCCTGCTTCTGATAGCA).
Protein change: p.Ala842_Glu843insTer.
Molecular consequence: nonsense.
Genome position (GRCh38, 1-based): chr16:23,629,242-23,629,263, TGCTATCAGAAGCAGGAAGCTC deleted on the plus strand (GAGCTTCCTGCTTCTGATAGCA on the coding strand, the reverse complement: PALB2 is on the minus strand); deleting any 22 consecutive bases within chr16:23,629,242-23,629,267 gives the same sequence; the c. name uses the placement nearest the transcript's 3' end. VCF-style (leftmost placement, unchanged base first): chr16-23629241-ATGCTATCAGAAGCAGGAAGCTC-A. GRCh37 (hg19) VCF-style: chr16-23640562-ATGCTATCAGAAGCAGGAAGCTC-A.
Identifiers: ClinVar variation 1068800 (VCV001068800.8), dbSNP rs2142368508, ClinGen allele CA2499223423.
Genomic context (GRCh38, chr16:23,629,241, plus strand): 5'-CTGGAAGAGAATATTCTTCTGACCTTTAACTCTGAAACCAATTGTAGGTTGCCTGGGTTT[ATGCTATCAGAAGCAGGAAGCTC>A]TGCTGTTTCAGTCTGTGAAAACAAAAGTCACATCATTAGTCTACACTTTATGTATAATGT-3'